The following is an entry in ClinVar:

ClinVar aggregate classification (germline): Pathogenic/Likely pathogenic. Review status: criteria provided, multiple submitters, no conflicts (2 of 4 stars). 2 submissions from 2 submitters: Pathogenic (1); Likely pathogenic (1). Last evaluated 2021-10-14.

Conditions:
Familial hypocalciuric hypercalcemia (FHH). Also called: Familial benign hypercalcemia. Identifiers: Orphanet 405, MedGen C1809471, MONDO:0018458.
Autosomal dominant hypocalcemia 1 (HYPOC1). Also called: HYPOCALCEMIA, FAMILIAL. Identifiers: MedGen C3715128, MONDO:0011013, OMIM 601198.

Submissions (2):

Women's Health and Genetics/Laboratory Corporation of America, LabCorp
Classification: Likely pathogenic for Familial hypocalciuric hypercalcemia. Last evaluated: 2021-10-14. Review status: criteria provided, single submitter. Criteria: LabCorp Variant Classification Summary - May 2015. Collection method: clinical testing. Allele origin: germline.
Comment: Variant summary: CASR c.666delG (p.Ile223LeufsX34) results in a premature termination codon, predicted to cause a truncation of the encoded protein or absence of the protein due to nonsense mediated decay. Truncations downstream of this position have been classified as pathogenic by our laboratory and have been reported in association with Hypercalcaemia, hypocalciuric in HGMD. The variant was absent in 250832 control chromosomes. To our knowledge, no occurrence of c.666delG in individuals affected with Familial Hypocalciuric Hypercalcemia and no experimental evidence demonstrating its impact on protein function have been reported. No clinical diagnostic laboratories have submitted clinical-significance assessments for this variant to ClinVar after 2014. Based on the evidence outlined above, the variant was classified as likely pathogenic.

Labcorp Genetics (formerly Invitae), Labcorp
Classification: Pathogenic for Familial hypocalciuric hypercalcemia; Autosomal dominant hypocalcemia 1. Last evaluated: 2021-10-12. Review status: criteria provided, single submitter. Criteria: Invitae Variant Classification Sherloc (09022015). Collection method: clinical testing. Allele origin: germline.
Comment: For these reasons, this variant has been classified as Pathogenic. This variant has not been reported in the literature in individuals affected with CASR-related conditions. This variant is not present in population databases (ExAC no frequency). This sequence change creates a premature translational stop signal (p.Ile223Leufs*34) in the CASR gene. It is expected to result in an absent or disrupted protein product. Loss-of-function variants in CASR are known to be pathogenic (PMID: 22422767).

Literature cited by the submitters: PubMed 22422767 (cited by Labcorp Genetics (formerly Invitae), Labcorp).

NM_000388.4(CASR):c.666del (p.Ile223fs)

Gene: CASR (calcium sensing receptor; plus strand). Cytogenetic location: 3q21.1.
Variant type: Deletion.
Coding change: c.666del on transcript NM_000388.4 (MANE Select); coding-DNA position 666, one base deleted (G; older notation c.666delG).
Protein change: p.Ile223fs; shifts the reading frame from isoleucine 223.
Molecular consequence: frameshift variant.
Genome position (GRCh38, 1-based): chr3:122,261,701, G deleted; the last of 4 consecutive G bases (chr3:122,261,698-122,261,701); deleting any one gives the same sequence. VCF-style (leftmost placement, unchanged base first): chr3-122261697-CG-C. GRCh37 (hg19) VCF-style: chr3-121980544-CG-C.
Other names: c.666del, p.Ile223fs (NM_001178065.2); short protein forms I223fs.
Identifiers: ClinVar variation 1321376 (VCV001321376.7), dbSNP rs2107632061, ClinGen allele CA645532161.